The following is an entry in ClinVar:

ClinVar aggregate classification (germline): Pathogenic (1 of 4 stars; one submission).

Submission:

CeGaT Center for Human Genetics Tuebingen
Classification: Pathogenic. Last evaluated: 2022-07-01. Review status: criteria provided, single submitter. Criteria: CeGaT Center For Human Genetics Tuebingen Variant Classification Criteria Version 2. Collection method: clinical testing. Allele origin: germline. Affected: yes. Observed: 1 variant allele.
Comment: FBN1: PM1:Strong, PM2, PM5, PP2, PP4

NM_000138.5(FBN1):c.2761T>A (p.Cys921Ser)

Gene: FBN1 (fibrillin 1; minus strand). Cytogenetic location: 15q21.1.
Variant type: single nucleotide variant.
Coding change: c.2761T>A on transcript NM_000138.5 (MANE Select); coding-DNA position 2761, T replaced by A.
Protein change: p.Cys921Ser; replaces cysteine 921 with serine.
Molecular consequence: missense variant.
Genome position (GRCh38, 1-based): chr15:48,492,554, A>T on the plus strand (T>A on the coding strand, the complement: FBN1 is on the minus strand). VCF-style: chr15-48492554-A-T. GRCh37 (hg19) VCF-style: chr15-48784751-A-T.
Other names: short protein forms C921S.
Identifiers: ClinVar variation 1701259 (VCV001701259.31), dbSNP rs1597567249, ClinGen allele CA392330793.